The following is an entry in ClinVar:

ClinVar aggregate classification (germline): Likely benign. Review status: criteria provided, multiple submitters, no conflicts (2 of 4 stars). 4 submissions from 4 submitters: Likely benign (4). Last evaluated 2026-01-12.

Conditions:
Cardiovascular phenotype. Identifiers: MedGen CN230736.
Danon disease. Also called: Glycogen Storage Disease Type IIb; PSEUDOGLYCOGENOSIS II; GSD IIb; LYSOSOMAL GLYCOGEN STORAGE DISEASE WITHOUT ACID MALTASE DEFICIENCY; ANTOPOL DISEASE. Identifiers: Orphanet 34587, MedGen C0878677, MONDO:0010281, OMIM 300257.

Allele frequency attached by ClinVar (database versions not stated): gnomAD exomes below 0.00001 and 0.00001; TOPMed below 0.00001; gnomAD 0.00001.
gnomAD v4.1: 4 of 1,208,657 alleles (0.00033%); highest among the groups gnomAD compares: Non-Finnish European, 0.00045%; no homozygotes.

Submissions (4):

Labcorp Genetics (formerly Invitae), Labcorp
Classification: Likely benign for Danon disease. Last evaluated: 2026-01-12. Review status: criteria provided, single submitter. Criteria: Invitae Variant Classification Sherloc (09022015). Collection method: clinical testing. Allele origin: germline.

Ambry Genetics
Classification: Likely benign for Cardiovascular phenotype. Last evaluated: 2022-01-20. Review status: criteria provided, single submitter. Criteria: Ambry Variant Classification Scheme 2023. Collection method: clinical testing. Allele origin: germline.

Blueprint Genetics
Classification: Likely benign. Last evaluated: 2021-04-22. Review status: criteria provided, single submitter. Criteria: ACMG Guidelines, 2015. Collection method: clinical testing. Allele origin: germline.

GeneDx
Classification: Likely benign. Last evaluated: 2017-06-07. Review status: criteria provided, single submitter. Criteria: GeneDx Variant Classification (06012015). Collection method: clinical testing. Allele origin: germline. Affected: yes.
Comment: This variant is considered likely benign or benign based on one or more of the following criteria: it is a conservative change, it occurs at a poorly conserved position in the protein, it is predicted to be benign by multiple in silico algorithms, and/or has population frequency not consistent with disease.

NM_002294.3(LAMP2):c.972C>G (p.Pro324=)

Gene: LAMP2 (lysosome associated membrane protein 2; minus strand). Cytogenetic location: Xq24.
Variant type: single nucleotide variant.
Coding change: c.972C>G on transcript NM_002294.3 (MANE Select); coding-DNA position 972, C replaced by G.
Protein change: p.Pro324=; no amino-acid change (proline 324 retained).
Molecular consequence: synonymous variant.
Genome position (GRCh38, 1-based): chrX:120,441,851, G>C on the plus strand (C>G on the coding strand, the complement: LAMP2 is on the minus strand). VCF-style: chrX-120441851-G-C. GRCh37 (hg19) VCF-style: chrX-119575706-G-C.
Other names: c.972C>G, p.Pro324= (NM_001122606.1, NM_013995.2).
Identifiers: ClinVar variation 509859 (VCV000509859.12), dbSNP rs1229203142, ClinGen allele CA518400500.